The following is an entry in ClinVar:

NM_001378454.1(ALMS1):c.1625T>G (p.Leu542Ter)

Gene: ALMS1 (ALMS1 centrosome and basal body associated protein; plus strand). Cytogenetic location: 2p13.1.
Variant type: single nucleotide variant.
Coding change: c.1625T>G on transcript NM_001378454.1 (MANE Select); coding-DNA position 1625, T replaced by G.
Protein change: p.Leu542Ter; replaces leucine 542 with a stop codon.
Molecular consequence: nonsense.
Genome position (GRCh38, 1-based): chr2:73,448,152, T>G. VCF-style: chr2-73448152-T-G. GRCh37 (hg19) VCF-style: chr2-73675279-T-G.
Other names: c.1628T>G, p.Leu543Ter (NM_015120.4); short protein forms L543*, L542*.
Identifiers: ClinVar variation 2122458 (VCV002122458.4), dbSNP rs1347176614, ClinGen allele CA347264960.

ClinVar aggregate classification (germline): Pathogenic (1 of 4 stars; one submission).

Conditions:
Alstrom syndrome (ALMS). Identifiers: Orphanet 64, MedGen C0268425, MONDO:0008763, OMIM 203800.

Submission:

Labcorp Genetics (formerly Invitae), Labcorp
Classification: Pathogenic for Alstrom syndrome. Last evaluated: 2022-04-18. Review status: criteria provided, single submitter. Criteria: Invitae Variant Classification Sherloc (09022015). Collection method: clinical testing. Allele origin: germline.
Comment: This sequence change creates a premature translational stop signal (p.Leu543*) in the ALMS1 gene. It is expected to result in an absent or disrupted protein product. Loss-of-function variants in ALMS1 are known to be pathogenic (PMID: 17594715). This variant is not present in population databases (gnomAD no frequency). This premature translational stop signal has been observed in individual(s) with clinical features of Alstrom syndrome (PMID: 25846608). For these reasons, this variant has been classified as Pathogenic.

Literature cited by the submitters: PubMed 17594715; PubMed 25846608.